The following is an entry in ClinVar:

ClinVar aggregate classification (germline): Uncertain significance. Review status: criteria provided, multiple submitters, no conflicts (2 of 4 stars). 3 submissions from 3 submitters: Uncertain significance (3). Last evaluated 2026-01-04.

Conditions:
Inborn genetic diseases. Identifiers: MedGen C0950123, MeSH D030342.
Atrial fibrillation, familial, 7 (ATFB7). Identifiers: MedGen C2677106, MONDO:0012828, OMIM 612240.

Allele frequency attached by ClinVar (database versions not stated): TOPMed 0.00001.

Submissions (3):

Labcorp Genetics (formerly Invitae), Labcorp
Classification: Uncertain significance for Atrial fibrillation, familial, 7. Last evaluated: 2026-01-04. Review status: criteria provided, single submitter. Criteria: Invitae Variant Classification Sherloc (09022015). Collection method: clinical testing. Allele origin: germline.
Comment: This sequence change replaces aspartic acid, which is acidic and polar, with asparagine, which is neutral and polar, at codon 148 of the KCNA5 protein (p.Asp148Asn). This variant is present in population databases (rs773318785, gnomAD 0.01%). This variant has not been reported in the literature in individuals affected with KCNA5-related conditions. ClinVar contains an entry for this variant (Variation ID: 958518). Invitae Evidence Modeling of protein sequence and biophysical properties (such as structural, functional, and spatial information, amino acid conservation, physicochemical variation, residue mobility, and thermodynamic stability) indicates that this missense variant is not expected to disrupt KCNA5 protein function with a negative predictive value of 80%. In summary, the available evidence is currently insufficient to determine the role of this variant in disease. Therefore, it has been classified as a Variant of Uncertain Significance.

Ambry Genetics
Classification: Uncertain significance for Inborn genetic diseases. Last evaluated: 2025-04-29. Review status: criteria provided, single submitter. Criteria: Ambry Variant Classification Scheme 2023. Collection method: clinical testing. Allele origin: germline.

GeneDx
Classification: Uncertain significance. Last evaluated: 2021-06-25. Review status: criteria provided, single submitter. Criteria: GeneDx Variant Classification Process June 2021. Collection method: clinical testing. Allele origin: germline. Affected: yes.
Comment: Has not been previously published as pathogenic or benign to our knowledge; In silico analysis supports that this missense variant has a deleterious effect on protein structure/function; Reported in ClinVar as a variant of uncertain significance (ClinVar Variant ID# 958518; Landrum et al., 2016); This variant is associated with the following publications: (PMID: 26582918, 27535533)

NM_002234.4(KCNA5):c.442G>A (p.Asp148Asn)

Gene: KCNA5 (potassium voltage-gated channel subfamily A member 5; plus strand). Cytogenetic location: 12p13.32.
Variant type: single nucleotide variant.
Coding change: c.442G>A on transcript NM_002234.4 (MANE Select); coding-DNA position 442, G replaced by A.
Protein change: p.Asp148Asn; replaces aspartic acid 148 with asparagine.
Molecular consequence: missense variant.
Genome position (GRCh38, 1-based): chr12:5,044,589, G>A. VCF-style: chr12-5044589-G-A. GRCh37 (hg19) VCF-style: chr12-5153755-G-A.
Other names: short protein forms D148N.
Identifiers: ClinVar variation 958518 (VCV000958518.11), dbSNP rs773318785, ClinGen allele CA6399619.